The following is an entry in ClinVar:

NM_002972.4(SBF1):c.2738C>T (p.Ala913Val)

Gene: SBF1 (SET binding factor 1; minus strand). Cytogenetic location: 22q13.33.
Variant type: single nucleotide variant.
Coding change: c.2738C>T on transcript NM_002972.4 (MANE Select); coding-DNA position 2738, C replaced by T.
Protein change: p.Ala913Val; replaces alanine 913 with valine.
Molecular consequence: missense variant.
Genome position (GRCh38, 1-based): chr22:50,461,624, G>A on the plus strand (C>T on the coding strand, the complement: SBF1 is on the minus strand). VCF-style: chr22-50461624-G-A. GRCh37 (hg19) VCF-style: chr22-50900053-G-A.
Other names: c.2741C>T, p.Ala914Val (NM_001365819.1); c.2738C>T (NM_002972.2, NM_002972.3); short protein forms A913V, A914V.
Identifiers: ClinVar variation 1377420 (VCV001377420.9), dbSNP rs374897003, ClinGen allele CA10317068.

ClinVar aggregate classification (germline): Conflicting classifications of pathogenicity. Review status: criteria provided, conflicting classifications (1 of 4 stars). 4 submissions from 4 submitters: Uncertain significance (3); Benign (1). Last evaluated 2025-02-09.

Conditions:
Tip-toe gait. Also called: Toe walking. Identifiers: MedGen C0427144, HP:0030051.

Allele frequency attached by ClinVar (database versions not stated): gnomAD 0.00001; TOPMed 0.00002; ExAC 0.00006; ESP Exome Variant Server 0.00008.

Submissions (4):

Labcorp Genetics (formerly Invitae), Labcorp
Classification: Uncertain significance. Last evaluated: 2025-02-09. Review status: criteria provided, single submitter. Criteria: Invitae Variant Classification Sherloc (09022015). Collection method: clinical testing. Allele origin: germline.
Comment: This sequence change replaces alanine, which is neutral and non-polar, with valine, which is neutral and non-polar, at codon 913 of the SBF1 protein (p.Ala913Val). This variant is present in population databases (rs374897003, gnomAD 0.02%). This variant has not been reported in the literature in individuals affected with SBF1-related conditions. ClinVar contains an entry for this variant (Variation ID: 1377420). Invitae Evidence Modeling of protein sequence and biophysical properties (such as structural, functional, and spatial information, amino acid conservation, physicochemical variation, residue mobility, and thermodynamic stability) indicates that this missense variant is not expected to disrupt SBF1 protein function with a negative predictive value of 80%. In summary, the available evidence is currently insufficient to determine the role of this variant in disease. Therefore, it has been classified as a Variant of Uncertain Significance.

GeneDx
Classification: Uncertain significance. Last evaluated: 2024-08-02. Review status: criteria provided, single submitter. Criteria: GeneDx Variant Classification Process June 2021. Collection method: clinical testing. Allele origin: germline. Affected: yes.
Comment: Reported previously in the compound heterozygous state in an individual from a cohort of patients with rare disorders who underwent genetic testing; clinical information not provided (PMID: 33726816); In silico analysis indicates that this missense variant does not alter protein structure/function; This variant is associated with the following publications: (PMID: 33726816)

Practice for Gait Abnormalities, David Pomarino, Competency Network Toe Walking C/o Practice Pomarino
Classification: Benign for Tip-toe gait. Last evaluated: 2024-07-10. Review status: criteria provided, single submitter. Criteria: Pomarino et al. (Glob Med Genet. 2026). Collection method: clinical testing. Allele origin: germline. Affected: yes.

Blueprint Genetics
Classification: Uncertain significance. Last evaluated: 2023-06-22. Review status: criteria provided, single submitter. Criteria: ACMG Guidelines, 2015. Collection method: clinical testing. Allele origin: germline.